The following is an entry in ClinVar:

ClinVar aggregate classification (germline): Likely pathogenic (0 of 4 stars; one submission).

Conditions:
Hereditary insensitivity to pain with anhidrosis (CIPA). Also called: INSENSITIVITY TO PAIN, CONGENITAL, WITH ANHIDROSIS; FAMILIAL DYSAUTONOMIA, TYPE II; NTRK1 Congenital Insensitivity to Pain with Anhidrosis; HSAN Type IV; NEUROPATHY, CONGENITAL SENSORY, WITH ANHIDROSIS; hereditary sensory and autonomic neuropathy type 4. Identifiers: Orphanet 642, MedGen C0020074, MONDO:0009746, OMIM 256800.

Submission:

Department of Genetics, Suzhou Beikang Medical Laboratory
Classification: Likely pathogenic for Hereditary insensitivity to pain with anhidrosis. Last evaluated: 2024-10-31. Review status: no assertion criteria provided. Collection method: clinical testing. Allele origin: germline. Affected: no.
Comment: For these reasons, this variant has been classified as Likely pathogenic. This variant has not been reported in the literature in individuals affected with NTRK1-related conditions. This variant is not present in population databases (ExAC no frequency). This sequence change creates a premature translational stop signal (p.Glu551Glyfs*107) in the NTRK1 gene. It is expected to result in an absent or disrupted protein product. Loss-of-function variants in NTRK1 are known to be pathogenic (PMID: 10982191, 28328124, 10330344).

NM_002529.4(NTRK1):c.1652del (p.Glu551fs)

Gene: NTRK1 (neurotrophic receptor tyrosine kinase 1; plus strand). Cytogenetic location: 1q23.1.
Variant type: Deletion.
Coding change: c.1652del on transcript NM_002529.4 (MANE Select); coding-DNA position 1652, one base deleted (A; older notation c.1652delA).
Protein change: p.Glu551fs; shifts the reading frame from glutamic acid 551.
Molecular consequence: frameshift variant.
Genome position (GRCh38, 1-based): chr1:156,876,419, A deleted. VCF-style (leftmost placement, unchanged base first): chr1-156876418-GA-G. GRCh37 (hg19) VCF-style: chr1-156846210-GA-G.
Other names: c.1544del, p.Glu515fs (NM_001007792.1); c.1634del, p.Glu545fs (NM_001012331.2); short protein forms E515fs, E545fs, E551fs.
Identifiers: ClinVar variation 3370434 (VCV003370434.1).
Genomic context (GRCh38, chr1:156,876,418, plus strand): 5'-CTCGGCCCCCAACTCAGTCCTGTCCCTGCCGCTTCCATCCAGGCACTGAAGGAGGCGTCC[GA>G]GAGTGCTCGGCAGGACTTCCAGCGTGAGGCTGAGCTGCTCACCATGCTGCAGCACCAGCA-3'